The following is an entry in ClinVar:

NM_058004.4(PI4KA):c.4929G>C (p.Arg1643=)

Gene: PI4KA (phosphatidylinositol 4-kinase alpha; minus strand). Cytogenetic location: 22q11.21.
Variant type: single nucleotide variant.
Coding change: c.4929G>C on transcript NM_058004.4 (MANE Select); coding-DNA position 4929, G replaced by C.
Protein change: p.Arg1643=; no amino-acid change (arginine 1643 retained).
Molecular consequence: synonymous variant.
Genome position (GRCh38, 1-based): chr22:20,727,242, C>G on the plus strand (G>C on the coding strand, the complement: PI4KA is on the minus strand). VCF-style: chr22-20727242-C-G. GRCh37 (hg19) VCF-style: chr22-21081530-C-G.
Other names: c.4836G>C, p.Arg1612= (NM_001362862.2); c.4863G>C, p.Arg1621= (NM_001362863.2).
Identifiers: ClinVar variation 3234505 (VCV003234505.20), dbSNP rs557710729, ClinGen allele CA322249957.

ClinVar aggregate classification (germline): Likely benign (1 of 4 stars; one submission).

Allele frequency attached by ClinVar (database versions not stated): TOPMed below 0.00001; gnomAD 0.00001.
gnomAD v4.1: 4 of 1,612,538 alleles (0.00025%); highest among the groups gnomAD compares: Non-Finnish European, 0.00034%; no homozygotes.

Submission:

CeGaT Center for Human Genetics Tuebingen
Classification: Likely benign. Last evaluated: 2024-04-01. Review status: criteria provided, single submitter. Criteria: CeGaT Center For Human Genetics Tuebingen Variant Classification Criteria Version 2. Collection method: clinical testing. Allele origin: germline. Affected: yes. Observed: 1 variant allele.
Comment: PI4KA: BP4, BP7